The following is an entry in ClinVar:

NM_133642.5(LARGE1):c.1287+1G>C

Gene: LARGE1 (LARGE xylosyl- and glucuronyltransferase 1; minus strand). Cytogenetic location: 22q12.3.
Variant type: single nucleotide variant.
Coding change: c.1287+1G>C on transcript NM_133642.5 (MANE Select); the canonical splice donor site of the intron after coding-DNA position 1287, G replaced by C.
Molecular consequence: splice donor variant. On other transcripts: intron variant (2).
Genome position (GRCh38, 1-based): chr22:33,337,645, C>G on the plus strand (G>C on the coding strand, the complement: LARGE1 is on the minus strand). VCF-style: chr22-33337645-C-G. GRCh37 (hg19) VCF-style: chr22-33733631-C-G.
Other names: c.1287+1G>C (NM_001362953.2, NM_001362949.2, NM_001378627.1 and 6 more transcripts); c.1132-21397G>C (NM_001378629.1); c.529-21397G>C (NM_001378631.1); c.684+1G>C (NM_001378630.1).
Identifiers: ClinVar variation 2715501 (VCV002715501.3), dbSNP rs1381780038, ClinGen allele CA411543563.
Genomic context (GRCh38, chr22:33,337,645, plus strand): 5'-GGTCCTTGATGGATGAGCAGAGAAGCCGCCCCTTCCCTGCCCAGCCTTGCGAGCCACTTA[C>G]GTTTTCACTGTTGACATCAGCCTCACTGGGGCAGCCAAACAGTTCCCGCCTCAGAAGATT-3'

ClinVar aggregate classification (germline): Likely pathogenic (1 of 4 stars; one submission).

Conditions:
Muscular dystrophy-dystroglycanopathy type B6 (MDDGB6). Also called: MUSCULAR DYSTROPHY-DYSTROGLYCANOPATHY (CONGENITAL WITH IMPAIRED INTELLECTUAL DEVELOPMENT), TYPE B, 6; MUSCULAR DYSTROPHY, CONGENITAL, LARGE-RELATED; MUSCULAR DYSTROPHY, CONGENITAL, TYPE 1D. Identifiers: MedGen C1837229, MONDO:0012138, OMIM 608840.

Submission:

Labcorp Genetics (formerly Invitae), Labcorp
Classification: Likely pathogenic for Muscular dystrophy-dystroglycanopathy type B6. Last evaluated: 2025-10-02. Review status: criteria provided, single submitter. Criteria: Invitae Variant Classification Sherloc (09022015). Collection method: clinical testing. Allele origin: germline.
Comment: This sequence change affects a donor splice site in intron 11 of the LARGE1 gene. It is expected to disrupt RNA splicing. Variants that disrupt the donor or acceptor splice site typically lead to a loss of protein function (PMID: 16199547), and loss-of-function variants in LARGE1 are known to be pathogenic (PMID: 12966029, 17878207). This variant is not present in population databases (gnomAD no frequency). This variant has not been reported in the literature in individuals affected with LARGE1-related conditions. ClinVar contains an entry for this variant (Variation ID: 2715501). Algorithms developed to predict the effect of sequence changes on RNA splicing suggest that this variant may disrupt the consensus splice site. In summary, the currently available evidence indicates that the variant is pathogenic, but additional data are needed to prove that conclusively. Therefore, this variant has been classified as Likely Pathogenic.

Literature cited by the submitters: PubMed 16199547; PubMed 12966029; PubMed 17878207.